The following is an entry in ClinVar:

ClinVar aggregate classification (germline): Uncertain significance (1 of 4 stars; one submission).

Conditions:
Glycogen storage disease, type VII (GSD7). Also called: PFKM DEFICIENCY; TARUI DISEASE; GSD VII; MUSCLE PHOSPHOFRUCTOKINASE DEFICIENCY. Identifiers: Orphanet 371, MedGen C0017926, MONDO:0009295, OMIM 232800.

Allele frequency attached by ClinVar (database versions not stated): TOPMed 0.00002; gnomAD 0.00003.
gnomAD v4.1: 12 of 1,605,502 alleles (0.00075%); highest among the groups gnomAD compares: South Asian, 0.0033%; no homozygotes.

Submission:

Labcorp Genetics (formerly Invitae), Labcorp
Classification: Uncertain significance for Glycogen storage disease, type VII. Last evaluated: 2022-08-07. Review status: criteria provided, single submitter. Criteria: Invitae Variant Classification Sherloc (09022015). Collection method: clinical testing. Allele origin: germline.
Comment: This sequence change falls in intron 19 of the PFKM gene. It does not directly change the encoded amino acid sequence of the PFKM protein. It affects a nucleotide within the consensus splice site. This variant is present in population databases (no rsID available, gnomAD 0.0009%). This variant has not been reported in the literature in individuals affected with PFKM-related conditions. Variants that disrupt the consensus splice site are a relatively common cause of aberrant splicing (PMID: 17576681, 9536098). Algorithms developed to predict the effect of sequence changes on RNA splicing suggest that this variant may create or strengthen a splice site. In summary, the available evidence is currently insufficient to determine the role of this variant in disease. Therefore, it has been classified as a Variant of Uncertain Significance.

Literature cited by the submitters: PubMed 17576681; PubMed 9536098.

NM_000289.6(PFKM):c.1880+5C>G

Gene: PFKM (phosphofructokinase, muscle; plus strand). Cytogenetic location: 12q13.11.
Variant type: single nucleotide variant.
Coding change: c.1880+5C>G on transcript NM_000289.6 (MANE Select); 5 bases into the intron after coding-DNA position 1880, C replaced by G.
Molecular consequence: intron variant.
Genome position (GRCh38, 1-based): chr12:48,143,819, C>G. VCF-style: chr12-48143819-C-G. GRCh37 (hg19) VCF-style: chr12-48537602-C-G.
Other names: c.1904+5C>G (NM_001354741.2); c.1880+5C>G (NM_001354742.2, NM_001354743.2, NM_001354744.2 and 2 more transcripts); c.1730+5C>G (NM_001354747.2, NM_001354748.2); c.2093+5C>G (NM_001166686.2, NM_001354737.1, NM_001354739.1 and 1 more transcripts); c.2189+5C>G (NM_001354736.1, NM_001354735.1); c.2024+5C>G (NM_001354740.1); c.1793+5C>G (NM_001354745.2); c.1754+5C>G (NM_001354746.2); and 1 more.
Identifiers: ClinVar variation 2201901 (VCV002201901.1), dbSNP rs906245963, ClinGen allele CA236519094.